The following is an entry in ClinVar:

NM_001292034.3(TAB2):c.1392C>G (p.Phe464Leu)

Genes: TAB2 (TGF-beta activated kinase 1 (MAP3K7) binding protein 2; plus strand), LOC126859827 (BRD4-independent group 4 enhancer GRCh37_chr6:149699707-149700906; plus strand). Cytogenetic location: 6q25.1.
Variant type: single nucleotide variant.
Coding change: c.1392C>G on transcript NM_001292034.3 (MANE Select); coding-DNA position 1392, C replaced by G.
Protein change: p.Phe464Leu; replaces phenylalanine 464 with leucine.
Molecular consequence: missense variant.
Genome position (GRCh38, 1-based): chr6:149,379,307, C>G. VCF-style: chr6-149379307-C-G. GRCh37 (hg19) VCF-style: chr6-149700443-C-G.
Other names: c.1296C>G, p.Phe432Leu (NM_001292035.3); c.1392C>G, p.Phe464Leu (NM_001369506.1, NM_015093.6); short protein forms F432L, F464L.
Identifiers: ClinVar variation 2573884 (VCV002573884.1), dbSNP rs977375547, ClinGen allele CA149917633.
Genomic context (GRCh38, chr6:149,379,307, plus strand): 5'-CAATAACTCTGCAACCTCTCCTCGAGTGGTAGTCACTCAGCCCAATACGAAATACACTTT[C>G]AAAATTACAGTCTCTCCCAATAAGCCCCCTGCAGTTTCACCAGGGGTGGTGTCCCCTACC-3'
Protein context (NP_001278963.1, residues 454-474): VVTQPNTKYT[Phe464Leu]KITVSPNKPP

ClinVar aggregate classification (germline): Uncertain significance (1 of 4 stars; one submission).

Allele frequency attached by ClinVar (database versions not stated): gnomAD 0.00001.
gnomAD v4.1: 9 of 1,614,110 alleles (0.00056%); highest among the groups gnomAD compares: South Asian, 0.0011%; no homozygotes.

Submission:

GeneDx
Classification: Uncertain significance. Last evaluated: 2023-01-23. Review status: criteria provided, single submitter. Criteria: GeneDx Variant Classification Process June 2021. Collection method: clinical testing. Allele origin: germline. Affected: yes.
Comment: Not observed at significant frequency in large population cohorts (gnomAD); In silico analysis supports that this missense variant does not alter protein structure/function; Has not been previously published as pathogenic or benign to our knowledge